The following is an entry in ClinVar:

NM_001042492.3(NF1):c.1862C>G (p.Ser621Cys)

Gene: NF1 (neurofibromin 1; plus strand). Cytogenetic location: 17q11.2.
Variant type: single nucleotide variant.
Coding change: c.1862C>G on transcript NM_001042492.3 (MANE Select); coding-DNA position 1862, C replaced by G.
Protein change: p.Ser621Cys; replaces serine 621 with cysteine.
Molecular consequence: missense variant.
Genome position (GRCh38, 1-based): chr17:31,225,111, C>G. VCF-style: chr17-31225111-C-G. GRCh37 (hg19) VCF-style: chr17-29552129-C-G.
Other names: c.1862C>G, p.Ser621Cys (NM_000267.4); short protein forms S621C.
Identifiers: ClinVar variation 4800727 (VCV004800727.1).
Genomic context (GRCh38, chr17:31,225,111, plus strand): 5'-GTTGTCAGTGCTTCAGTAAAGCTTATTTATTTATTTTTTTCTAGCAGGCAGATAGAAGTT[C>G]CTGTCACTTTCTCCTTTTTTACGGGGTAGGATGTGATATTCCTTCTAGTGGAAATACCAG-3'
Protein context (NP_001035957.1, residues 611-631): LLKNKQADRS[Ser621Cys]CHFLLFYGVG

ClinVar aggregate classification (germline): Uncertain significance (1 of 4 stars; one submission).

Conditions:
Neurofibromatosis, type 1 (NF1). Also called: VON RECKLINGHAUSEN DISEASE; Neurofibromatosis, type I; NEUROFIBROMATOSIS, TYPE I, SOMATIC; Peripheral type neurofibromatosis. Identifiers: Orphanet 636, MedGen C0027831, MONDO:0018975, OMIM 162200. Disease mechanism: loss of function.

gnomAD v4.1: 1 of 1,613,468 alleles (0.000062%); highest among the groups gnomAD compares: Non-Finnish European, 0.000085%; no homozygotes.

Submission:

Labcorp Genetics (formerly Invitae), Labcorp
Classification: Uncertain significance for Neurofibromatosis, type 1. Last evaluated: 2025-02-12. Review status: criteria provided, single submitter. Criteria: Invitae Variant Classification Sherloc (09022015). Collection method: clinical testing. Allele origin: germline.
Comment: This sequence change replaces serine, which is neutral and polar, with cysteine, which is neutral and slightly polar, at codon 621 of the NF1 protein (p.Ser621Cys). This variant is present in population databases (rs760346063, gnomAD 0.0009%). This variant has not been reported in the literature in individuals affected with NF1-related conditions. Invitae Evidence Modeling of protein sequence and biophysical properties (such as structural, functional, and spatial information, amino acid conservation, physicochemical variation, residue mobility, and thermodynamic stability) indicates that this missense variant is not expected to disrupt NF1 protein function with a negative predictive value of 95%. In summary, the available evidence is currently insufficient to determine the role of this variant in disease. Therefore, it has been classified as a Variant of Uncertain Significance.